The following is an entry in ClinVar:

NM_016151.4(TAOK2):c.1819C>T (p.Arg607Trp)

Gene: TAOK2 (TAO kinase 2; plus strand). Cytogenetic location: 16p11.2.
Variant type: single nucleotide variant.
Coding change: c.1819C>T on transcript NM_016151.4 (MANE Select); coding-DNA position 1819, C replaced by T.
Protein change: p.Arg607Trp; replaces arginine 607 with tryptophan.
Molecular consequence: missense variant.
Genome position (GRCh38, 1-based): chr16:29,985,688, C>T. VCF-style: chr16-29985688-C-T. GRCh37 (hg19) VCF-style: chr16-29997009-C-T.
Other names: c.1819C>T, p.Arg607Trp (NM_001252043.2, NM_004783.4); short protein forms R607W.
Identifiers: ClinVar variation 2109681 (VCV002109681.4), dbSNP rs1421345639, ClinGen allele CA395487495.
Genomic context (GRCh38, chr16:29,985,688, plus strand): 5'-CTGACCCTGCTTCCCTCTGCACTCGCCCAGGAGCTCCAGGAGAACCCCAGCACTCCCAAG[C>T]GGGAGAAGGCCGAGTGGCTGCTGCGGCAGAAGGAGCAGCTCCAGCAGTGCCAGGCGGAGG-3'
Protein context (NP_057235.2, residues 597-617): ELQENPSTPK[Arg607Trp]EKAEWLLRQK

ClinVar aggregate classification (germline): Uncertain significance (1 of 4 stars; one submission).

Submission:

Labcorp Genetics (formerly Invitae), Labcorp
Classification: Uncertain significance. Last evaluated: 2025-01-29. Review status: criteria provided, single submitter. Criteria: Invitae Variant Classification Sherloc (09022015). Collection method: clinical testing. Allele origin: germline.
Comment: This sequence change replaces arginine, which is basic and polar, with tryptophan, which is neutral and slightly polar, at codon 607 of the TAOK2 protein (p.Arg607Trp). This variant is not present in population databases (gnomAD no frequency). This variant has not been reported in the literature in individuals affected with TAOK2-related conditions. ClinVar contains an entry for this variant (Variation ID: 2109681). An algorithm developed to predict the effect of missense changes on protein structure and function (PolyPhen-2) suggests that this variant is likely to be disruptive. In summary, the available evidence is currently insufficient to determine the role of this variant in disease. Therefore, it has been classified as a Variant of Uncertain Significance.